The following is an entry in ClinVar:

ClinVar aggregate classification (germline): Uncertain significance (1 of 4 stars; one submission).

Allele frequency attached by ClinVar (database versions not stated): gnomAD 0.00003; TOPMed 0.00005; ExAC 0.00008.
gnomAD v4.1: 46 of 1,613,382 alleles (0.0029%); highest among the groups gnomAD compares: Admixed American, 0.038%; no homozygotes.

Submission:

Labcorp Genetics (formerly Invitae), Labcorp
Classification: Uncertain significance. Last evaluated: 2023-03-08. Review status: criteria provided, single submitter. Criteria: Invitae Variant Classification Sherloc (09022015). Collection method: clinical testing. Allele origin: germline.
Comment: This sequence change replaces serine, which is neutral and polar, with leucine, which is neutral and non-polar, at codon 664 of the WDR36 protein (p.Ser664Leu). This variant is present in population databases (rs772011041, gnomAD 0.05%). This variant has not been reported in the literature in individuals affected with WDR36-related conditions. ClinVar contains an entry for this variant (Variation ID: 1366550). An algorithm developed to predict the effect of missense changes on protein structure and function (PolyPhen-2) suggests that this variant is likely to be tolerated. In summary, the available evidence is currently insufficient to determine the role of this variant in disease. Therefore, it has been classified as a Variant of Uncertain Significance.

NM_139281.3(WDR36):c.1823C>T (p.Ser608Leu)

Gene: WDR36 (WD repeat domain 36; plus strand). Cytogenetic location: 5q22.1.
Variant type: single nucleotide variant.
Coding change: c.1823C>T on transcript NM_139281.3 (MANE Select); coding-DNA position 1823, C replaced by T.
Protein change: p.Ser608Leu; replaces serine 608 with leucine.
Molecular consequence: missense variant.
Genome position (GRCh38, 1-based): chr5:111,119,039, C>T. VCF-style: chr5-111119039-C-T. GRCh37 (hg19) VCF-style: chr5-110454737-C-T.
Other names: short protein forms S608L.
Identifiers: ClinVar variation 1366550 (VCV001366550.8), dbSNP rs772011041, ClinGen allele CA3365884.
Genomic context (GRCh38, chr5:111,119,039, plus strand): 5'-TCAAATACTTTTAACATGTTAATTATTTCTGTAGCCTTATAGACTGCTTTTTGTTGGACT[C>T]GGCTCCTCTCAATGTTTCTATGTCTCCTACTGGAGACTTTCTGGCAACTTCCCATGTGGA-3'
Protein context (NP_644810.2, residues 598-618): GCLIDCFLLD[Ser608Leu]APLNVSMSPT